The following is an entry in ClinVar:

ClinVar aggregate classification (germline): Uncertain significance. Review status: criteria provided, multiple submitters, no conflicts (2 of 4 stars). 5 submissions from 5 submitters: Uncertain significance (5). Last evaluated 2026-01-19.

Conditions:
Inborn genetic diseases. Identifiers: MedGen C0950123, MeSH D030342.
Paramyotonia congenita of Von Eulenburg. Also called: PARALYSIS PERIODICA PARAMYOTONICA; Paramyotonia Congenita; Eulenburg disease; Myotonia congenita intermittens; Von Eulenburg paramyotonia congenita. Identifiers: Orphanet 684, MedGen C0221055, MONDO:0008195, OMIM 168300. Disease mechanism: loss of function.
Hypokalemic periodic paralysis, type 2 (HOKPP2). Identifiers: Orphanet 681, MedGen C2750061, MONDO:0013234, OMIM 613345.
Potassium-aggravated myotonia. Also called: MYOTONIA CONGENITA, ACETAZOLAMIDE-RESPONSIVE; MYOTONIA CONGENITA, ATYPICAL; Myotonia congenita, atypical, acetazolamide-responsive; SODIUM CHANNEL MUSCLE DISEASE. Identifiers: Orphanet 612, Orphanet 99734, Orphanet 99735, Orphanet 99736, MedGen C2931826, MONDO:0018959, OMIM 608390.
Congenital myasthenic syndrome 16. Identifiers: Orphanet 590, MedGen C3280112, MONDO:0013620, OMIM 614198.
Hyperkalemic periodic paralysis. Also called: Familial hyperkalemic periodic paralysis; Gamstorp disease. Identifiers: Orphanet 682, MedGen C0238357, MONDO:0008224, OMIM 170500, HP:0007215.
Congenital myopathy 22A, classic (CMYO22A). Identifiers: MedGen C5830453, MONDO:0957247, OMIM 620351.
Congenital myopathy 22B, severe fetal (CMYO22B). Identifiers: MedGen C5830501, MONDO:0957265, OMIM 620369.

Allele frequency attached by ClinVar (database versions not stated): ExAC 0.00006; gnomAD exomes 0.00009 and 0.00005; gnomAD 0.00010 and 0.00012; TOPMed 0.00009.
gnomAD v4.1: 146 of 1,605,498 alleles (0.0091%); highest among the groups gnomAD compares: African/African-American, 0.031%; no homozygotes.

Submissions (5):

Labcorp Genetics (formerly Invitae), Labcorp
Classification: Uncertain significance for Hyperkalemic periodic paralysis. Last evaluated: 2026-01-19. Review status: criteria provided, single submitter. Criteria: Invitae Variant Classification Sherloc (09022015). Collection method: clinical testing. Allele origin: germline.
Comment: This sequence change replaces aspartic acid, which is acidic and polar, with asparagine, which is neutral and polar, at codon 942 of the SCN4A protein (p.Asp942Asn). This variant is present in population databases (rs761589948, gnomAD 0.03%). This variant has not been reported in the literature in individuals affected with SCN4A-related conditions. ClinVar contains an entry for this variant (Variation ID: 477409). Invitae Evidence Modeling of protein sequence and biophysical properties (such as structural, functional, and spatial information, amino acid conservation, physicochemical variation, residue mobility, and thermodynamic stability) indicates that this missense variant is not expected to disrupt SCN4A protein function with a negative predictive value of 95%. In summary, the available evidence is currently insufficient to determine the role of this variant in disease. Therefore, it has been classified as a Variant of Uncertain Significance.

Ambry Genetics
Classification: Uncertain significance for Inborn genetic diseases. Last evaluated: 2025-01-27. Review status: criteria provided, single submitter. Criteria: Ambry Variant Classification Scheme 2023. Collection method: clinical testing. Allele origin: germline.

Revvity Omics, Revvity
Classification: Uncertain significance. Last evaluated: 2024-07-11. Review status: criteria provided, single submitter. Criteria: ACMG Guidelines, 2015. Collection method: clinical testing. Allele origin: germline.

Fulgent Genetics
Classification: Uncertain significance for Paramyotonia congenita of Von Eulenburg; Hyperkalemic periodic paralysis; Potassium-aggravated myotonia; Hypokalemic periodic paralysis, type 2; Congenital myasthenic syndrome 16; Congenital myopathy 22A, classic; Congenital myopathy 22B, severe fetal. Last evaluated: 2024-04-23. Review status: criteria provided, single submitter. Criteria: ACMG Guidelines, 2015. Collection method: clinical testing. Allele origin: germline.

GeneDx
Classification: Uncertain significance. Last evaluated: 2022-09-16. Review status: criteria provided, single submitter. Criteria: GeneDx Variant Classification Process June 2021. Collection method: clinical testing. Allele origin: germline. Affected: yes.
Comment: In silico analysis supports that this missense variant does not alter protein structure/function; Has not been previously published as pathogenic or benign to our knowledge

NM_000334.4(SCN4A):c.2824G>A (p.Asp942Asn)

Genes: GH-LCR (growth hormone locus control region; plus strand), SCN4A (sodium voltage-gated channel alpha subunit 4; minus strand). Cytogenetic location: 17q23.3.
Variant type: single nucleotide variant.
Coding change: c.2824G>A on transcript NM_000334.4 (MANE Select); coding-DNA position 2824, G replaced by A.
Protein change: p.Asp942Asn; replaces aspartic acid 942 with asparagine.
Molecular consequence: missense variant.
Genome position (GRCh38, 1-based): chr17:63,951,453, C>T on the plus strand (G>A on the coding strand, the complement: SCN4A is on the minus strand). VCF-style: chr17-63951453-C-T. GRCh37 (hg19) VCF-style: chr17-62028813-C-T.
Other names: short protein forms D942N.
Identifiers: ClinVar variation 477409 (VCV000477409.14), dbSNP rs761589948, ClinGen allele CA8709490.